The following is an entry in ClinVar:

ClinVar aggregate classification (germline): Uncertain significance. Review status: criteria provided, multiple submitters, no conflicts (2 of 4 stars). 5 submissions from 5 submitters: Uncertain significance (4). 1 of the submissions does not count toward it. Last evaluated 2025-11-04.

Conditions:
RPGRIP1L-related disorder. Also called: RPGRIP1L-related disorders; RPGRIP1L-related condition. Identifiers: MedGen CN239416.
Meckel syndrome, type 5 (MKS5). Identifiers: Orphanet 564, MedGen C1969052, MONDO:0012695, OMIM 611561.
COACH syndrome 3. Identifiers: MedGen C5436841, MONDO:0030862, OMIM 619113.
Joubert syndrome 7 (JBTS7). Identifiers: Orphanet 220497, MedGen C1969053, MONDO:0012694, OMIM 611560.
Inborn genetic diseases. Identifiers: MedGen C0950123, MeSH D030342.
Meckel-Gruber syndrome. Also called: GRUBER SYNDROME; Dysencephalia splachnocystica; DYSENCEPHALIA SPLANCHNOCYSTICA. Identifiers: Orphanet 564, MedGen C0265215, MONDO:0018921.
Joubert syndrome. Also called: JOUBERT-BOLTSHAUSER SYNDROME; Familial aplasia of the vermis. Identifiers: Orphanet 475, MedGen C5979921, MONDO:0018772.

Allele frequency attached by ClinVar (database versions not stated): gnomAD 0.00001; gnomAD exomes 0.00001 and 0.00004; ExAC 0.00002; TOPMed 0.00002.
gnomAD v4.1: 14 of 1,613,906 alleles (0.00087%); highest among the groups gnomAD compares: Admixed American, 0.02%; no homozygotes.

Submissions (5):

Labcorp Genetics (formerly Invitae), Labcorp
Classification: Uncertain significance for Joubert syndrome; Meckel-Gruber syndrome. Last evaluated: 2025-11-04. Review status: criteria provided, single submitter. Criteria: Invitae Variant Classification Sherloc (09022015). Collection method: clinical testing. Allele origin: germline.
Comment: This sequence change replaces isoleucine, which is neutral and non-polar, with valine, which is neutral and non-polar, at codon 723 of the RPGRIP1L protein (p.Ile723Val). This variant is present in population databases (rs769280712, gnomAD 0.03%). This variant has not been reported in the literature in individuals affected with RPGRIP1L-related conditions. ClinVar contains an entry for this variant (Variation ID: 1373235). An algorithm developed to predict the effect of missense changes on protein structure and function outputs the following: PolyPhen-2: "Benign". The valine amino acid residue is found in multiple mammalian species, which suggests that this missense change does not adversely affect protein function. In summary, the available evidence is currently insufficient to determine the role of this variant in disease. Therefore, it has been classified as a Variant of Uncertain Significance.

Ambry Genetics
Classification: Uncertain significance for Inborn genetic diseases. Last evaluated: 2025-08-24. Review status: criteria provided, single submitter. Criteria: Ambry Variant Classification Scheme 2023. Collection method: clinical testing. Allele origin: germline.

Genetic Services Laboratory, University of Chicago
Classification: Uncertain significance. Last evaluated: 2023-01-03. Review status: criteria provided, single submitter. Criteria: ACMG Guidelines, 2015. Collection method: clinical testing. Allele origin: germline. Affected: no.
Comment: DNA sequence analysis of the RPGRIP1L gene demonstrated a sequence change, c.2167A>G, in exon 16 that results in an amino acid change, p.Ile723Val. This sequence change has been described in the gnomAD database with a frequency of 0.03% in the Latino subpopulation (dbSNP rs769280712). The p.Ile723Val change affects a highly conserved amino acid residue located in a domain of the RPGRIP1L protein that is known to be functional. The p.Ile723Val substitution appears to be benign using several in-silico pathogenicity prediction tools (SIFT, PolyPhen2, Align GVGD, REVEL). This sequence change does not appear to have been previously described in individuals with RPGRIP1L-related disorders. Due to insufficient evidences and the lack of functional studies, the clinical significance of the p.Ile723Val change remains unknown at this time.

Fulgent Genetics
Classification: Uncertain significance for Joubert syndrome 7; Meckel syndrome, type 5; COACH syndrome 3. Last evaluated: 2022-02-17. Review status: criteria provided, single submitter. Criteria: ACMG Guidelines, 2015. Collection method: clinical testing. Allele origin: unknown.

PreventionGenetics, part of Exact Sciences
Classification: Uncertain significance for RPGRIP1L-related condition. Last evaluated: 2024-04-16. Review status: no assertion criteria provided. Collection method: clinical testing. Allele origin: germline. Not counted in ClinVar's aggregate classification.
Comment: The RPGRIP1L c.2167A>G variant is predicted to result in the amino acid substitution p.Ile723Val. To our knowledge, this variant has not been reported in the literature. This variant is reported in 0.029% of alleles in individuals of Latino descent in gnomAD. At this time, the clinical significance of this variant is uncertain due to the absence of conclusive functional and genetic evidence.

NM_015272.5(RPGRIP1L):c.2167A>G (p.Ile723Val)

Gene: RPGRIP1L (RPGRIP1 like; minus strand). Cytogenetic location: 16q12.2.
Variant type: single nucleotide variant.
Coding change: c.2167A>G on transcript NM_015272.5 (MANE Select); coding-DNA position 2167, A replaced by G.
Protein change: p.Ile723Val; replaces isoleucine 723 with valine.
Molecular consequence: missense variant.
Genome position (GRCh38, 1-based): chr16:53,649,101, T>C on the plus strand (A>G on the coding strand, the complement: RPGRIP1L is on the minus strand). VCF-style: chr16-53649101-T-C. GRCh37 (hg19) VCF-style: chr16-53683013-T-C.
Other names: c.2167A>G (NM_015272.4, NM_015272.2); c.2167A>G, p.Ile723Val (NM_001127897.4, NM_001308334.3, NM_001330538.2); short protein forms I723V.
Identifiers: ClinVar variation 1373235 (VCV001373235.12), dbSNP rs769280712, ClinGen allele CA8057605.
Genomic context (GRCh38, chr16:53,649,101, plus strand): 5'-TTGCTTGATCCATGGGAACTCTTAATCGGAACCAGTATTCCACTGTGCCAAAATTTGGGA[T>C]GTCTCCTTTTGTTCCTACAAATCAGTACATAACCCAAGGTTAAAATAGTTTCATACATTA-3'
Protein context (NP_056087.2, residues 713-733): TASLIGTKGD[Ile723Val]PNFGTVEYWF